The following is an entry in ClinVar:

NC_000011.9:g.(5246957_5247806)_(5248302_?)del

Gene: HBB (hemoglobin subunit beta; minus strand). Cytogenetic location: 11p15.4.
Variant type: Deletion.
Identifiers: ClinVar variation 984497 (VCV000984497.1).

ClinVar aggregate classification (germline): Pathogenic (1 of 4 stars; one submission).

Conditions:
beta Thalassemia (BTHAL). Also called: Cooley's anemia; Erythroblastic anemia; Mediterranean anemia. Identifiers: Orphanet 848, MedGen C0005283, MONDO:0019402. Disease mechanism: loss of function.

Submission:

Women's Health and Genetics/Laboratory Corporation of America, LabCorp
Classification: Pathogenic for beta Thalassemia. Last evaluated: 2020-10-02. Review status: criteria provided, single submitter. Criteria: LabCorp Variant Classification Summary - May 2015. Collection method: clinical testing. Allele origin: germline.
Comment: Variant summary: The variant identified by MLPA or other technology involves the deletion of the promoter region and exons 1-2 in the HBB gene. Although exact breakpoints of this deletion are not known, a presumed nomenclature of c.(?_-51)_(315+1_316-1)del has been designated for the purposes of this classification. This variant is expected to result in a large deletion in the HBB gene, a known mechanism of disease. The variant was absent in approximately 21000 control chromosomes (gnomAD structural variants database). This variant has been reported in the literature in multiple individuals affected with a mild form of Beta Thalassemia, typically presenting with high levels of HbA2 and HbF (examples- Padanilam_1984, Anand_1988, Thein_1989). In addition, the variant has been reported in compound heterozygosity with a HgbS mutation in multiple affected individuals (examples-Padanilam_1984, Waye_1991, Wang_2020). These data indicate that the variant is very likely to be associated with disease. To our knowledge, no experimental evidence demonstrating an impact on protein function has been reported. No clinical diagnostic laboratories have submitted clinical-significance assessments for this variant to ClinVar after 2014. Based on the evidence outlined above, the variant was classified as pathogenic.

Literature cited by the submitters: PubMed 1719807; PubMed 2920214; PubMed 2753736; PubMed 2456798; PubMed 6089938; PubMed 32001505.